The following is an entry in ClinVar:

ClinVar aggregate classification (germline): Uncertain significance (1 of 4 stars; one submission).

Conditions:
Jeune thoracic dystrophy. Also called: Short-rib thoracic dysplasia; Jeune syndrome; Infantile thoracic dystrophy; Thoracic pelvic phalangeal dystrophy; Jeune's syndrome; Chondroectodermal dysplasia-like syndrome. Identifiers: Orphanet 474, MedGen C0265275, MONDO:0018770.

gnomAD v4.1: 1 of 1,612,528 alleles (0.000062%); no homozygotes.

Submission:

Labcorp Genetics (formerly Invitae), Labcorp
Classification: Uncertain significance for Jeune thoracic dystrophy. Last evaluated: 2024-11-11. Review status: criteria provided, single submitter. Criteria: Invitae Variant Classification Sherloc (09022015). Collection method: clinical testing. Allele origin: germline.
Comment: This sequence change replaces isoleucine, which is neutral and non-polar, with threonine, which is neutral and polar, at codon 275 of the IFT80 protein (p.Ile275Thr). This variant is not present in population databases (gnomAD no frequency). This variant has not been reported in the literature in individuals affected with IFT80-related conditions. ClinVar contains an entry for this variant (Variation ID: 1962461). Invitae Evidence Modeling of protein sequence and biophysical properties (such as structural, functional, and spatial information, amino acid conservation, physicochemical variation, residue mobility, and thermodynamic stability) has been performed for this missense variant. However, the output from this modeling did not meet the statistical confidence thresholds required to predict the impact of this variant on IFT80 protein function. In summary, the available evidence is currently insufficient to determine the role of this variant in disease. Therefore, it has been classified as a Variant of Uncertain Significance.

NM_020800.3(IFT80):c.824T>C (p.Ile275Thr)

Genes: IFT80 (intraflagellar transport 80; minus strand), TRIM59-IFT80 (TRIM59-IFT80 readthrough (NMD candidate); minus strand). Cytogenetic location: 3q25.33.
Variant type: single nucleotide variant.
Coding change: c.824T>C on transcript NM_020800.3 (MANE Select); coding-DNA position 824, T replaced by C.
Protein change: p.Ile275Thr; replaces isoleucine 275 with threonine.
Molecular consequence: missense variant. On other transcripts: non-coding transcript variant (3).
Genome position (GRCh38, 1-based): chr3:160,319,893, A>G on the plus strand (T>C on the coding strand, the complement: IFT80 is on the minus strand). VCF-style: chr3-160319893-A-G. GRCh37 (hg19) VCF-style: chr3-160037681-A-G.
Other names: c.413T>C, p.Ile138Thr (NM_001190241.2, NM_001190242.2); short protein forms I138T, I275T.
Identifiers: ClinVar variation 1962461 (VCV001962461.5), dbSNP rs2473266437, ClinGen allele CA355195616.